The following is an entry in ClinVar:

NM_006618.5(KDM5B):c.2139T>C (p.Leu713=)

Gene: KDM5B (lysine demethylase 5B; minus strand). Cytogenetic location: 1q32.1.
Variant type: single nucleotide variant.
Coding change: c.2139T>C on transcript NM_006618.5 (MANE Select); coding-DNA position 2139, T replaced by C.
Protein change: p.Leu713=; no amino-acid change (leucine 713 retained).
Molecular consequence: synonymous variant.
Genome position (GRCh38, 1-based): chr1:202,746,201, A>G on the plus strand (T>C on the coding strand, the complement: KDM5B is on the minus strand). VCF-style: chr1-202746201-A-G. GRCh37 (hg19) VCF-style: chr1-202715329-A-G.
Other names: c.2247T>C, p.Leu749= (NM_001314042.2); c.2004T>C, p.Leu668= (NM_001347591.2); c.2124T>C, p.Leu708= (NM_001399817.1).
Identifiers: ClinVar variation 4872387 (VCV004872387.2).

ClinVar aggregate classification (germline): Likely benign (1 of 4 stars; one submission).

gnomAD v4.1: 94 of 1,613,816 alleles (0.0058%); highest among the groups gnomAD compares: Non-Finnish European, 0.0077%; no homozygotes.

Submission:

CeGaT Center for Human Genetics Tuebingen
Classification: Likely benign. Last evaluated: 2026-05-01. Review status: criteria provided, single submitter. Criteria: CeGaT Center For Human Genetics Tuebingen Variant Classification Criteria Version 2. Collection method: clinical testing. Allele origin: germline. Affected: yes. Observed: 1 variant allele.
Comment: KDM5B: BP4, BP7